The following is an entry in ClinVar:

NM_175875.5(SIX5):c.1916A>G (p.Asp639Gly)

Gene: SIX5 (SIX homeobox 5; minus strand). Cytogenetic location: 19q13.32.
Variant type: single nucleotide variant.
Coding change: c.1916A>G on transcript NM_175875.5 (MANE Select); coding-DNA position 1916, A replaced by G.
Protein change: p.Asp639Gly; replaces aspartic acid 639 with glycine.
Molecular consequence: missense variant.
Genome position (GRCh38, 1-based): chr19:45,765,805, T>C on the plus strand (A>G on the coding strand, the complement: SIX5 is on the minus strand). VCF-style: chr19-45765805-T-C. GRCh37 (hg19) VCF-style: chr19-46269063-T-C.
Other names: short protein forms D639G.
Identifiers: ClinVar variation 2704378 (VCV002704378.3), dbSNP rs2146205632, ClinGen allele CA406416616.
Genomic context (GRCh38, chr19:45,765,805, plus strand): 5'-GGTGACAACATCAGCCCCTCTGGTGGGGGCGCCGGGAAGTTGGGCAGGAGGCCAGGGGAG[T>C]CAGGGGAGAAGGGCAGGCTGGTGCTGGAGGTGGTGGCAGCGGCGGGGGGTGGCTGCTGTG-3'
Protein context (NP_787071.3, residues 629-649): TSSTSLPFSP[Asp639Gly]SPGLLPNFPA

ClinVar aggregate classification (germline): Uncertain significance (1 of 4 stars; one submission).

Submission:

Labcorp Genetics (formerly Invitae), Labcorp
Classification: Uncertain significance. Last evaluated: 2023-12-20. Review status: criteria provided, single submitter. Criteria: Invitae Variant Classification Sherloc (09022015). Collection method: clinical testing. Allele origin: germline.
Comment: This sequence change replaces aspartic acid, which is acidic and polar, with glycine, which is neutral and non-polar, at codon 639 of the SIX5 protein (p.Asp639Gly). This variant is not present in population databases (gnomAD no frequency). This variant has not been reported in the literature in individuals affected with SIX5-related conditions. Advanced modeling of protein sequence and biophysical properties (such as structural, functional, and spatial information, amino acid conservation, physicochemical variation, residue mobility, and thermodynamic stability) performed at Invitae indicates that this missense variant is not expected to disrupt SIX5 protein function with a negative predictive value of 80%. In summary, the available evidence is currently insufficient to determine the role of this variant in disease. Therefore, it has been classified as a Variant of Uncertain Significance.